The following is an entry in ClinVar:

ClinVar aggregate classification (germline): Uncertain significance. Review status: criteria provided, multiple submitters, no conflicts (2 of 4 stars). 2 submissions from 2 submitters: Uncertain significance (2). Last evaluated 2025-01-24.

Conditions:
Hereditary cancer-predisposing syndrome. Also called: Hereditary neoplastic syndrome; Tumor predisposition; Neoplastic Syndromes, Hereditary; Hereditary Cancer Syndrome. Identifiers: Orphanet 140162, MedGen C0027672, MeSH D009386, MONDO:0015356.

Allele frequency attached by ClinVar (database versions not stated): gnomAD exomes below 0.00001; gnomAD 0.00001.
gnomAD v4.1: 2 of 1,612,870 alleles (0.00012%); highest among the groups gnomAD compares: East Asian, 0.0022%; no homozygotes.

Submissions (2):

Ambry Genetics
Classification: Uncertain significance for Hereditary cancer-predisposing syndrome. Last evaluated: 2025-01-24. Review status: criteria provided, single submitter. Criteria: Ambry Variant Classification Scheme 2023. Collection method: clinical testing. Allele origin: germline.
Comment: The p.R999K variant (also known as c.2996G>A), located in coding exon 21 of the MSH3 gene, results from a G to A substitution at nucleotide position 2996. The arginine at codon 999 is replaced by lysine, an amino acid with highly similar properties. This amino acid position is conserved. In addition, this alteration is predicted to be tolerated by in silico analysis. Since supporting evidence is limited at this time, the clinical significance of this alteration remains unclear.

Labcorp Genetics (formerly Invitae), Labcorp
Classification: Uncertain significance. Last evaluated: 2023-11-15. Review status: criteria provided, single submitter. Criteria: Invitae Variant Classification Sherloc (09022015). Collection method: clinical testing. Allele origin: germline.
Comment: This sequence change replaces arginine, which is basic and polar, with lysine, which is basic and polar, at codon 999 of the MSH3 protein (p.Arg999Lys). This variant is not present in population databases (gnomAD no frequency). This variant has not been reported in the literature in individuals affected with MSH3-related conditions. ClinVar contains an entry for this variant (Variation ID: 955841). Algorithms developed to predict the effect of missense changes on protein structure and function output the following: SIFT: "Not Available"; PolyPhen-2: "Benign"; Align-GVGD: "Not Available". The lysine amino acid residue is found in multiple mammalian species, which suggests that this missense change does not adversely affect protein function. In summary, the available evidence is currently insufficient to determine the role of this variant in disease. Therefore, it has been classified as a Variant of Uncertain Significance.

NM_002439.5(MSH3):c.2996G>A (p.Arg999Lys)

Gene: MSH3 (mutS homolog 3; plus strand). Cytogenetic location: 5q14.1.
Variant type: single nucleotide variant.
Coding change: c.2996G>A on transcript NM_002439.5 (MANE Select); coding-DNA position 2996, G replaced by A.
Protein change: p.Arg999Lys; replaces arginine 999 with lysine.
Molecular consequence: missense variant.
Genome position (GRCh38, 1-based): chr5:80,854,312, G>A. VCF-style: chr5-80854312-G-A. GRCh37 (hg19) VCF-style: chr5-80150131-G-A.
Other names: short protein forms R999K.
Identifiers: ClinVar variation 955841 (VCV000955841.13), dbSNP rs1580091648, ClinGen allele CA360275853.